The following is an entry in ClinVar:

ClinVar aggregate classification (germline): Pathogenic. Review status: criteria provided, multiple submitters, no conflicts (2 of 4 stars). 2 submissions from 2 submitters: Pathogenic (2). Last evaluated 2024-05-08.

Conditions:
Progressive muscular dystrophy. Identifiers: Orphanet 206644, MedGen C4551827, MONDO:0016106.
Becker muscular dystrophy (BMD). Also called: MUSCULAR DYSTROPHY, PSEUDOHYPERTROPHIC PROGRESSIVE, BECKER TYPE; Becker Muscular Dystrophy (BMD). Identifiers: Orphanet 98895, MedGen C0917713, MONDO:0010311, OMIM 300376.

Submissions (2):

Myriad Genetics, Inc.
Classification: Pathogenic for Progressive muscular dystrophy. Last evaluated: 2024-05-08. Review status: criteria provided, single submitter. Criteria: Myriad Autosomal Dominant, Autosomal Recessive and X-Linked Classification Criteria (2023). Collection method: clinical testing. Allele origin: unknown.
Comment: NM_004006.2(DMD):c.4723A>T(K1575*) is expected to be pathogenic in the context of dystrophinopathy (including Duchenne/Becker muscular dystrophy). This variant is predicted to lead to an abnormal or absent protein product due to the creation of a premature termination codon in DMD, a gene where loss-of-function variants are known to be pathogenic. Please note: this variant was assessed in the context of healthy population screening.

Mendelics
Classification: Pathogenic for Becker muscular dystrophy. Last evaluated: 2022-05-04. Review status: criteria provided, single submitter. Criteria: Mendelics Assertion Criteria 2019. Collection method: clinical testing. Allele origin: germline.

NM_004006.3(DMD):c.4723A>T (p.Lys1575Ter)

Gene: DMD (dystrophin; minus strand). Cytogenetic location: Xp21.1.
Variant type: single nucleotide variant.
Coding change: c.4723A>T on transcript NM_004006.3 (MANE Select); coding-DNA position 4723, A replaced by T.
Protein change: p.Lys1575Ter; replaces lysine 1575 with a stop codon.
Molecular consequence: nonsense.
Genome position (GRCh38, 1-based): chrX:32,380,632, T>A on the plus strand (A>T on the coding strand, the complement: DMD is on the minus strand). VCF-style: chrX-32380632-T-A. GRCh37 (hg19) VCF-style: chrX-32398749-T-A.
Other names: c.4699A>T, p.Lys1567Ter (NM_000109.4); c.4711A>T, p.Lys1571Ter (NM_004009.3); c.4354A>T, p.Lys1452Ter (NM_004010.3); c.700A>T, p.Lys234Ter (NM_004011.4); c.691A>T, p.Lys231Ter (NM_004012.4); short protein forms K1452*, K1567*, K1571*, K1575*, K231*, K234*.
Identifiers: ClinVar variation 1685733 (VCV001685733.2), dbSNP rs2147472174, ClinGen allele CA412661477.